The following is an entry in ClinVar:

NM_002609.4(PDGFRB):c.1021dup (p.Glu341fs)

Gene: PDGFRB (platelet derived growth factor receptor beta; minus strand). Cytogenetic location: 5q32.
Variant type: Duplication.
Coding change: c.1021dup on transcript NM_002609.4 (MANE Select); coding-DNA position 1021, one base duplicated (G; older notation c.1021dupG).
Protein change: p.Glu341fs; shifts the reading frame from glutamic acid 341.
Molecular consequence: frameshift variant.
Genome position (GRCh38, 1-based): chr5:150,132,856, C duplicated on the plus strand (G on the coding strand, the reverse complement: PDGFRB is on the minus strand). VCF-style (leftmost placement, unchanged base first): chr5-150132855-T-TC. GRCh37 (hg19) VCF-style: chr5-149512418-T-TC.
Other names: c.829dup, p.Glu277fs (NM_001355016.2); c.538dup, p.Glu180fs (NM_001355017.2); short protein forms E180fs, E277fs, E341fs.
Identifiers: ClinVar variation 3032332 (VCV003032332.2), dbSNP rs2481233649, ClinGen allele CA2740094135.
Genomic context (GRCh38, chr5:150,132,855, plus strand): 5'-CTGGAGTCGCCCAGGGTGCGGTTGTCTTTGAACCACAGGACAGTGGGCGGTGGGTAGGCC[T>TC]CGAACACTACCTGCAGTGTCCGGCTCCGATGCAGCTCAGCAAATTGTAGTGTGCCCACCT-3'

ClinVar aggregate classification (germline): Uncertain significance (0 of 4 stars; one submission).

Conditions:
PDGFRB-related disorder. Also called: PDGFRB-related condition.

Submission:

PreventionGenetics, part of Exact Sciences
Classification: Uncertain significance for PDGFRB-related condition. Last evaluated: 2024-01-16. Review status: no assertion criteria provided. Collection method: clinical testing. Allele origin: germline.
Comment: The PDGFRB c.1021dupG variant is predicted to result in a frameshift and premature protein termination (p.Glu341Glyfs*61). To our knowledge, this variant has not been reported in the literature or in a large population database, indicating this variant is rare. Although we suspect that this variant may be pathogenic, at this time, the clinical significance of this variant is uncertain due to the absence of conclusive functional and genetic evidence.